The following is an entry in ClinVar:

ClinVar aggregate classification (germline): Uncertain significance. Review status: criteria provided, multiple submitters, no conflicts (2 of 4 stars). 5 submissions from 3 submitters: Uncertain significance (5). Last evaluated 2025-12-11.

Conditions:
Autosomal recessive nonsyndromic hearing loss 2. Also called: DEAFNESS, AUTOSOMAL RECESSIVE 2; NEUROSENSORY NONSYNDROMIC RECESSIVE DEAFNESS 2. Identifiers: Orphanet 90636, MedGen C1838701, MONDO:0010807, OMIM 600060.
Usher syndrome type 1 (USH1). Also called: RETINITIS PIGMENTOSA AND CONGENITAL DEAFNESS. Identifiers: Orphanet 231169, Orphanet 886, MedGen C1568247, MONDO:0010168, OMIM 276900.
Autosomal dominant nonsyndromic hearing loss 11. Identifiers: Orphanet 90635, MedGen C1832475, MONDO:0011032, OMIM 601317.

Allele frequency attached by ClinVar (database versions not stated): gnomAD 0.00001; gnomAD exomes 0.00001; TOPMed 0.00001; ExAC 0.00002; ESP Exome Variant Server 0.00008.

Submissions (5):

Labcorp Genetics (formerly Invitae), Labcorp
Classification: Uncertain significance. Last evaluated: 2025-12-11. Review status: criteria provided, single submitter. Criteria: Invitae Variant Classification Sherloc (09022015). Collection method: clinical testing. Allele origin: germline.
Comment: This sequence change replaces valine, which is neutral and non-polar, with isoleucine, which is neutral and non-polar, at codon 1966 of the MYO7A protein (p.Val1966Ile). This variant is present in population databases (rs371313080, gnomAD 0.003%). This variant has not been reported in the literature in individuals affected with MYO7A-related conditions. ClinVar contains an entry for this variant (Variation ID: 306200). Invitae Evidence Modeling of protein sequence and biophysical properties (such as structural, functional, and spatial information, amino acid conservation, physicochemical variation, residue mobility, and thermodynamic stability) indicates that this missense variant is not expected to disrupt MYO7A protein function with a negative predictive value of 95%. In summary, the available evidence is currently insufficient to determine the role of this variant in disease. Therefore, it has been classified as a Variant of Uncertain Significance.

Eurofins Ntd Llc (ga)
Classification: Uncertain significance. Last evaluated: 2018-02-27. Review status: criteria provided, single submitter. Criteria: EGL ClinVar v180209 classification definitions. Collection method: clinical testing. Allele origin: germline. Observed: 1 variant allele, 1 heterozygote.

Illumina Laboratory Services, Illumina
Classification: Uncertain significance for Usher syndrome type 1. Last evaluated: 2018-01-13. Review status: criteria provided, single submitter. Criteria: ICSL Variant Classification Criteria 13 December 2019. Collection method: clinical testing. Allele origin: germline.

Illumina Laboratory Services, Illumina
Classification: Uncertain significance for Autosomal recessive nonsyndromic hearing loss 2. Last evaluated: 2018-01-13. Review status: criteria provided, single submitter. Criteria: ICSL Variant Classification Criteria 13 December 2019. Collection method: clinical testing. Allele origin: germline.

Illumina Laboratory Services, Illumina
Classification: Uncertain significance for Autosomal dominant nonsyndromic hearing loss 11. Last evaluated: 2018-01-13. Review status: criteria provided, single submitter. Criteria: ICSL Variant Classification Criteria 13 December 2019. Collection method: clinical testing. Allele origin: germline.

NM_000260.4(MYO7A):c.5896G>A (p.Val1966Ile)

Gene: MYO7A (myosin VIIA; plus strand). Cytogenetic location: 11q13.5.
Variant type: single nucleotide variant.
Coding change: c.5896G>A on transcript NM_000260.4 (MANE Select); coding-DNA position 5896, G replaced by A.
Protein change: p.Val1966Ile; replaces valine 1966 with isoleucine.
Molecular consequence: missense variant.
Genome position (GRCh38, 1-based): chr11:77,208,469, G>A. VCF-style: chr11-77208469-G-A. GRCh37 (hg19) VCF-style: chr11-76919514-G-A.
Other names: c.5782G>A, p.Val1928Ile (NM_001127180.2); c.5749G>A, p.Val1917Ile (NM_001369365.1); short protein forms V1966I, V1928I, V1917I.
Identifiers: ClinVar variation 306200 (VCV000306200.13), dbSNP rs371313080, ClinGen allele CA6198862.
Genomic context (GRCh38, chr11:77,208,469, plus strand): 5'-CTTCGATGGCCCTGACCCCAGGTCCTCAGCGTTCCTGAGAATGACTTCTTCTTTGACTTT[G>A]TTCGACACTTGACAGACTGGATAAAGAAAGCTCGGCCCATCAAGGACGGTAATGAGGCCG-3'
Protein context (NP_000251.3, residues 1956-1976): VPENDFFFDF[Val1966Ile]RHLTDWIKKA